The following is an entry in ClinVar:

NM_182961.4(SYNE1):c.21538C>G (p.Leu7180Val)

Genes: SYNE1 (spectrin repeat containing nuclear envelope protein 1; minus strand), LOC126859836 (MED14-independent group 3 enhancer GRCh37_chr6:152542272-152543471; plus strand). Cytogenetic location: 6q25.2.
Variant type: single nucleotide variant.
Coding change: c.21538C>G on transcript NM_182961.4 (MANE Select); coding-DNA position 21538, C replaced by G.
Protein change: p.Leu7180Val; replaces leucine 7180 with valine.
Molecular consequence: missense variant.
Genome position (GRCh38, 1-based): chr6:152,221,544, G>C on the plus strand (C>G on the coding strand, the complement: SYNE1 is on the minus strand). VCF-style: chr6-152221544-G-C. GRCh37 (hg19) VCF-style: chr6-152542679-G-C.
Other names: p.Leu7109Val; c.21325C>G, p.Leu7109Val (NM_033071.5); short protein forms L7109V, L7180V.
Identifiers: ClinVar variation 3379721 (VCV003379721.1).

ClinVar aggregate classification (germline): Uncertain significance (1 of 4 stars; one submission).

gnomAD v4.1: 27 of 1,613,684 alleles (0.0017%); highest among the groups gnomAD compares: Non-Finnish European, 0.0022%; no homozygotes.

Submission:

Mayo Clinic Laboratories, Mayo Clinic
Classification: Uncertain significance. Last evaluated: 2024-06-18. Review status: criteria provided, single submitter. Criteria: ACMG Guidelines, 2015. Collection method: clinical testing. Allele origin: germline. Observed: 1 variant allele.
Comment: BP4